The following is an entry in ClinVar:

ClinVar aggregate classification (germline): Uncertain significance (1 of 4 stars; one submission).

Conditions:
Inborn genetic diseases. Identifiers: MedGen C0950123, MeSH D030342.

gnomAD v4.1: 1 of 1,613,848 alleles (0.000062%); highest among the groups gnomAD compares: South Asian, 0.0011%; no homozygotes.

Submission:

Ambry Genetics
Classification: Uncertain significance for Inborn genetic diseases. Last evaluated: 2026-01-12. Review status: criteria provided, single submitter. Criteria: Ambry Variant Classification Scheme 2023. Collection method: clinical testing. Allele origin: germline.
Comment: The p.I669V variant (also known as c.2005A>G), located in coding exon 1 of the SAMD9L gene, results from an A to G substitution at nucleotide position 2005. The isoleucine at codon 669 is replaced by valine, an amino acid with highly similar properties. This amino acid position is conserved. In addition, this alteration is predicted to be tolerated by in silico analysis. Based on the available evidence, the clinical significance of this variant remains unclear.

NM_152703.5(SAMD9L):c.2005A>G (p.Ile669Val)

Gene: SAMD9L (sterile alpha motif domain containing 9 like; minus strand). Cytogenetic location: 7q21.2.
Variant type: single nucleotide variant.
Coding change: c.2005A>G on transcript NM_152703.5 (MANE Select); coding-DNA position 2005, A replaced by G.
Protein change: p.Ile669Val; replaces isoleucine 669 with valine.
Molecular consequence: missense variant.
Genome position (GRCh38, 1-based): chr7:93,133,967, T>C on the plus strand (A>G on the coding strand, the complement: SAMD9L is on the minus strand). VCF-style: chr7-93133967-T-C. GRCh37 (hg19) VCF-style: chr7-92763280-T-C.
Other names: c.2005A>G, p.Ile669Val (NM_001303496.3, NM_001303497.3, NM_001303498.3 and 5 more transcripts); short protein forms I669V.
Identifiers: ClinVar variation 4842039 (VCV004842039.1).